The following is an entry in ClinVar:

NM_006766.5(KAT6A):c.5968G>A (p.Ala1990Thr)

Gene: KAT6A (lysine acetyltransferase 6A; minus strand). Cytogenetic location: 8p11.21.
Variant type: single nucleotide variant.
Coding change: c.5968G>A on transcript NM_006766.5 (MANE Select); coding-DNA position 5968, G replaced by A.
Protein change: p.Ala1990Thr; replaces alanine 1990 with threonine.
Molecular consequence: missense variant.
Genome position (GRCh38, 1-based): chr8:41,932,252, C>T on the plus strand (G>A on the coding strand, the complement: KAT6A is on the minus strand). VCF-style: chr8-41932252-C-T. GRCh37 (hg19) VCF-style: chr8-41789770-C-T.
Other names: short protein forms A1990T.
Identifiers: ClinVar variation 3363828 (VCV003363828.1).

ClinVar aggregate classification (germline): Uncertain significance (1 of 4 stars; one submission).

gnomAD v4.1: 1 of 1,613,328 alleles (0.000062%); highest among the groups gnomAD compares: Non-Finnish European, 0.000085%; no homozygotes.

Submission:

GeneDx
Classification: Uncertain significance. Last evaluated: 2023-11-07. Review status: criteria provided, single submitter. Criteria: GeneDx Variant Classification Process June 2021. Collection method: clinical testing. Allele origin: germline. Affected: yes.
Comment: In silico analysis supports that this missense variant does not alter protein structure/function; Has not been previously published as pathogenic or benign to our knowledge